The following is an entry in ClinVar:

NM_017934.7(PHIP):c.2390G>A (p.Arg797His)

Gene: PHIP (PHIP subunit of CUL4-Ring ligase complex; minus strand). Cytogenetic location: 6q14.1.
Variant type: single nucleotide variant.
Coding change: c.2390G>A on transcript NM_017934.7 (MANE Select); coding-DNA position 2390, G replaced by A.
Protein change: p.Arg797His; replaces arginine 797 with histidine.
Molecular consequence: missense variant.
Genome position (GRCh38, 1-based): chr6:78,988,279, C>T on the plus strand (G>A on the coding strand, the complement: PHIP is on the minus strand). VCF-style: chr6-78988279-C-T. GRCh37 (hg19) VCF-style: chr6-79697996-C-T.
Other names: c.2390G>A (NM_017934.6); short protein forms R797H.
Identifiers: ClinVar variation 3212210 (VCV003212210.5), dbSNP rs775026712, ClinGen allele CA3899966.
Genomic context (GRCh38, chr6:78,988,279, plus strand): 5'-CTACTGCCATTTTCTATCTCTTCTGAGGGTCTAGGAGTCTCTTCCAATGCAGATCTTGTA[C>T]GATAATTGTGTTGATTTGTCTGTTGCTTTTTGGATTCTCCAAGATCCAGGAAATGCTCAT-3'
Protein context (NP_060404.4, residues 787-807): KKQQTNQHNY[Arg797His]TRSALEETPR

ClinVar aggregate classification (germline): Conflicting classifications of pathogenicity. Review status: criteria provided, conflicting classifications (1 of 4 stars). 3 submissions from 3 submitters: Uncertain significance (2); Likely benign (1). Last evaluated 2026-04-20.

Conditions:
PHIP-related disorder. Also called: PHIP-related disorders; PHIP-related condition.
Inborn genetic diseases. Identifiers: MedGen C0950123, MeSH D030342.

Allele frequency attached by ClinVar (database versions not stated): gnomAD exomes 0.00001; ExAC 0.00002; TOPMed 0.00004; gnomAD 0.00007.
gnomAD v4.1: 29 of 1,607,260 alleles (0.0018%); highest among the groups gnomAD compares: African/African-American, 0.011%; no homozygotes.

Submissions (3):

PreventionGenetics, part of Exact Sciences
Classification: Uncertain significance for PHIP-related condition. Last evaluated: 2026-04-20. Review status: criteria provided, single submitter. Criteria: ACMG Guidelines, 2015. Collection method: clinical testing. Allele origin: germline.
Comment: The PHIP c.2390G>A variant is predicted to result in the amino acid substitution p.Arg797His. To our knowledge, this variant has not been reported in the literature. This variant is reported in 0.0040% of alleles in individuals of African descent in gnomAD. At this time, the clinical significance of this variant is uncertain due to the absence of conclusive functional and genetic evidence.

Labcorp Genetics (formerly Invitae), Labcorp
Classification: Uncertain significance. Last evaluated: 2024-05-02. Review status: criteria provided, single submitter. Criteria: Invitae Variant Classification Sherloc (09022015). Collection method: clinical testing. Allele origin: germline.
Comment: This sequence change replaces arginine, which is basic and polar, with histidine, which is basic and polar, at codon 797 of the PHIP protein (p.Arg797His). This variant is present in population databases (rs775026712, gnomAD 0.004%). This variant has not been reported in the literature in individuals affected with PHIP-related conditions. Advanced modeling of protein sequence and biophysical properties (such as structural, functional, and spatial information, amino acid conservation, physicochemical variation, residue mobility, and thermodynamic stability) performed at Invitae indicates that this missense variant is not expected to disrupt PHIP protein function with a negative predictive value of 80%. In summary, the available evidence is currently insufficient to determine the role of this variant in disease. Therefore, it has been classified as a Variant of Uncertain Significance.

Ambry Genetics
Classification: Likely benign for Inborn genetic diseases. Last evaluated: 2023-12-27. Review status: criteria provided, single submitter. Criteria: Ambry Variant Classification Scheme 2023. Collection method: clinical testing. Allele origin: germline.